The following is an entry in ClinVar:

NM_201253.3(CRB1):c.3901T>C (p.Cys1301Arg)

Gene: CRB1 (crumbs cell polarity complex component 1; plus strand). Cytogenetic location: 1q31.3.
Variant type: single nucleotide variant.
Coding change: c.3901T>C on transcript NM_201253.3 (MANE Select); coding-DNA position 3901, T replaced by C.
Protein change: p.Cys1301Arg; replaces cysteine 1301 with arginine.
Molecular consequence: missense variant. On other transcripts: non-coding transcript variant (2).
Genome position (GRCh38, 1-based): chr1:197,442,188, T>C. VCF-style: chr1-197442188-T-C. GRCh37 (hg19) VCF-style: chr1-197411318-T-C.
Other names: c.3565T>C, p.Cys1189Arg (NM_001193640.2); c.3829T>C, p.Cys1277Arg (NM_001257965.2); c.2293T>C, p.Cys765Arg (NM_001257966.2); short protein forms C1189R, C1277R, C1301R, C765R.
Identifiers: ClinVar variation 2506131 (VCV002506131.1), dbSNP rs2528243588, ClinGen allele CA344052457.

ClinVar aggregate classification (germline): Uncertain significance (1 of 4 stars; one submission).

gnomAD v4.1: 1 of 1,614,142 alleles (0.000062%); highest among the groups gnomAD compares: Non-Finnish European, 0.000085%; no homozygotes.

Submission:

Women's Health and Genetics/Laboratory Corporation of America, LabCorp
Classification: Uncertain significance. Last evaluated: 2023-05-01. Review status: criteria provided, single submitter. Criteria: LabCorp Variant Classification Summary - May 2015. Collection method: clinical testing. Allele origin: germline.
Comment: Variant summary: CRB1 c.3901T>C (p.Cys1301Arg) results in a non-conservative amino acid change located in the EGF-like domain (IPR000742) of the encoded protein sequence. Five of five in-silico tools predict a damaging effect of the variant on protein function. The variant was absent in 251440 control chromosomes. c.3901T>C has been reported in the literature in one homozygous individual affected with Retinal Dystrophy (Liu_2021). To our knowledge, no experimental evidence demonstrating an impact on protein function has been reported. The following publications have been ascertained in the context of this evaluation (PMID: 33090715). No clinical diagnostic laboratories have submitted clinical-significance assessments for this variant to ClinVar after 2014. Based on the evidence outlined above, the variant was classified as VUS-possibly pathogenic.

Literature cited by the submitters: PubMed 33090715.